The following is an entry in ClinVar:

ClinVar aggregate classification (germline): Uncertain significance (1 of 4 stars; one submission).

Conditions:
Neuronal ceroid lipofuscinosis 7 (CLN7). Also called: MFSD8-Related Neuronal Ceroid-Lipofuscinosis. Identifiers: Orphanet 168491, Orphanet 228366, MedGen C1838571, MONDO:0012588, OMIM 610951.

Submission:

Labcorp Genetics (formerly Invitae), Labcorp
Classification: Uncertain significance for Neuronal ceroid lipofuscinosis 7. Last evaluated: 2022-10-19. Review status: criteria provided, single submitter. Criteria: Invitae Variant Classification Sherloc (09022015). Collection method: clinical testing. Allele origin: germline.
Comment: This sequence change replaces aspartic acid, which is acidic and polar, with valine, which is neutral and non-polar, at codon 296 of the MFSD8 protein (p.Asp296Val). This variant is not present in population databases (gnomAD no frequency). This variant has not been reported in the literature in individuals affected with MFSD8-related conditions. Advanced modeling of protein sequence and biophysical properties (such as structural, functional, and spatial information, amino acid conservation, physicochemical variation, residue mobility, and thermodynamic stability) performed at Invitae indicates that this missense variant is not expected to disrupt MFSD8 protein function. In summary, the available evidence is currently insufficient to determine the role of this variant in disease. Therefore, it has been classified as a Variant of Uncertain Significance.

NM_001371596.2(MFSD8):c.887A>T (p.Asp296Val)

Gene: MFSD8 (major facilitator superfamily domain containing 8; minus strand). Cytogenetic location: 4q28.2.
Variant type: single nucleotide variant.
Coding change: c.887A>T on transcript NM_001371596.2 (MANE Select); coding-DNA position 887, A replaced by T.
Protein change: p.Asp296Val; replaces aspartic acid 296 with valine.
Molecular consequence: missense variant.
Genome position (GRCh38, 1-based): chr4:127,930,794, T>A on the plus strand (A>T on the coding strand, the complement: MFSD8 is on the minus strand). VCF-style: chr4-127930794-T-A. GRCh37 (hg19) VCF-style: chr4-128851949-T-A.
Other names: c.686A>T, p.Asp229Val (NM_001363520.3); c.572A>T, p.Asp191Val (NM_001363521.3); c.752A>T, p.Asp251Val (NM_001371590.2); c.887A>T, p.Asp296Val (NM_001371591.2, NM_152778.4); c.893A>T, p.Asp298Val (NM_001371592.2); c.773A>T, p.Asp258Val (NM_001371593.2, NM_001410766.1); c.740A>T, p.Asp247Val (NM_001371594.2); c.605A>T, p.Asp202Val (NM_001371595.1); and 1 more; short protein forms D191V, D229V, D296V, D298V, D146V, D251V, D202V, D247V.
Identifiers: ClinVar variation 2004840 (VCV002004840.1), dbSNP rs2546083769, ClinGen allele CA358174118.